The following is an entry in ClinVar:

ClinVar aggregate classification (germline): Uncertain significance (1 of 4 stars; one submission).

Conditions:
Nemaline myopathy 2 (NEM2). Also called: Nemaline myopathy 2, autosomal recessive. Identifiers: MedGen C1850569, MONDO:0009725, OMIM 256030.

Submission:

Labcorp Genetics (formerly Invitae), Labcorp
Classification: Uncertain significance for Nemaline myopathy 2. Last evaluated: 2022-07-13. Review status: criteria provided, single submitter. Criteria: Invitae Variant Classification Sherloc (09022015). Collection method: clinical testing. Allele origin: germline.
Comment: In summary, the available evidence is currently insufficient to determine the role of this variant in disease. Therefore, it has been classified as a Variant of Uncertain Significance. This sequence change replaces glutamine, which is neutral and polar, with lysine, which is basic and polar, at codon 6344 of the NEB protein (p.Gln6344Lys). This variant is not present in population databases (gnomAD no frequency). This variant has not been reported in the literature in individuals affected with NEB-related conditions. Algorithms developed to predict the effect of missense changes on protein structure and function output the following: SIFT: "Deleterious"; PolyPhen-2: "Not Available"; Align-GVGD: "Class C0". The lysine amino acid residue is found in multiple mammalian species, which suggests that this missense change does not adversely affect protein function.

NM_001164508.2(NEB):c.19030C>A (p.Gln6344Lys)

Gene: NEB (nebulin; minus strand). Cytogenetic location: 2q23.3.
Variant type: single nucleotide variant.
Coding change: c.19030C>A on transcript NM_001164508.2 (MANE Select); coding-DNA position 19030, C replaced by A.
Protein change: p.Gln6344Lys; replaces glutamine 6344 with lysine.
Molecular consequence: missense variant.
Genome position (GRCh38, 1-based): chr2:151,561,279, G>T on the plus strand (C>A on the coding strand, the complement: NEB is on the minus strand). VCF-style: chr2-151561279-G-T. GRCh37 (hg19) VCF-style: chr2-152417793-G-T.
Other names: c.19030C>A, p.Gln6344Lys (NM_001164507.2, NM_001271208.2); c.13927C>A, p.Gln4643Lys (NM_004543.5); short protein forms Q4643K, Q6344K.
Identifiers: ClinVar variation 2111513 (VCV002111513.4), dbSNP rs1559940778, ClinGen allele CA348795584.